The following is an entry in ClinVar:

ClinVar aggregate classification (germline): Likely benign (1 of 4 stars; one submission).

Submission:

Women's Health and Genetics/Laboratory Corporation of America, LabCorp
Classification: Likely benign. Last evaluated: 2022-12-15. Review status: criteria provided, single submitter. Criteria: LabCorp Variant Classification Summary - May 2015. Collection method: clinical testing. Allele origin: germline.
Comment: Variant summary: The variant identified by MLPA or other technology involves the duplication of exon 13 in the DMD gene. A presumed nomenclature of c.(1482+1_1483-1)_(1602+1_1603-1)dup has been designated for the purposes of this classification. It has been assumed that this is a tandem duplication in direct orientation (Richardson_GIM_2018, Newman_AJHG_2015). Although exact breakpoints of this duplication are not known, it is expected to result in an in-frame duplication, resulting in the insertion of 40 amino acids into spectrin repeat 2 in the central rod domain (UniProt) of the DMD gene. A large duplication variant (size: 26,434 bp) encompassing exon 13 is reported in 18 / 15814 alleles, including 17 hemizygotes in the gnomAD database, structural variants dataset. The highest variant frequency is reported within the African or African-American subpopulation (10 hemizygotes), strongly suggesting that the variant is a benign polymorphism. To our knowledge, no occurrence of c.(1482+1_1483-1)_(1602+1_1603-1)dup in individuals affected with Dystrophinopathies and no experimental evidence demonstrating its impact on protein function have been reported. One clinical diagnostic laboratory has submitted clinical-significance assessments for this variant to ClinVar after 2014 and classified the variant as uncertain significance. Based on the evidence outlined above, the variant was classified as likely benign.

NC_000023.10:g.(32591964_32613873)_(32613994_32632419)dup

Gene: DMD (dystrophin; minus strand). Cytogenetic location: Xp21.1.
Variant type: Duplication.
Identifiers: ClinVar variation 987860 (VCV000987860.2).